The following is an entry in ClinVar:

ClinVar aggregate classification (germline): Uncertain significance (1 of 4 stars; one submission).

Conditions:
Primary ciliary dyskinesia. Also called: Ciliary dyskinesia. Identifiers: Orphanet 244, MedGen C0008780, MONDO:0016575, HP:0012265.

Allele frequency attached by ClinVar (database versions not stated): gnomAD exomes below 0.00001.
gnomAD v4.1: 2 of 1,611,366 alleles (0.00012%); highest among the groups gnomAD compares: Admixed American, 0.0033%; no homozygotes.

Submission:

Labcorp Genetics (formerly Invitae), Labcorp
Classification: Uncertain significance for Primary ciliary dyskinesia. Last evaluated: 2022-06-13. Review status: criteria provided, single submitter. Criteria: Invitae Variant Classification Sherloc (09022015). Collection method: clinical testing. Allele origin: germline.
Comment: This sequence change replaces serine, which is neutral and polar, with glycine, which is neutral and non-polar, at codon 522 of the RSPH4A protein (p.Ser522Gly). This variant is not present in population databases (gnomAD no frequency). This variant has not been reported in the literature in individuals affected with RSPH4A-related conditions. Algorithms developed to predict the effect of missense changes on protein structure and function are either unavailable or do not agree on the potential impact of this missense change (SIFT: "Tolerated"; PolyPhen-2: "Possibly Damaging"; Align-GVGD: "Class C0"). In summary, the available evidence is currently insufficient to determine the role of this variant in disease. Therefore, it has been classified as a Variant of Uncertain Significance.

NM_001010892.3(RSPH4A):c.1564A>G (p.Ser522Gly)

Gene: RSPH4A (radial spoke head component 4A; plus strand). Cytogenetic location: 6q22.1.
Variant type: single nucleotide variant.
Coding change: c.1564A>G on transcript NM_001010892.3 (MANE Select); coding-DNA position 1564, A replaced by G.
Protein change: p.Ser522Gly; replaces serine 522 with glycine.
Molecular consequence: missense variant.
Genome position (GRCh38, 1-based): chr6:116,628,271, A>G. VCF-style: chr6-116628271-A-G. GRCh37 (hg19) VCF-style: chr6-116949434-A-G.
Other names: c.1564A>G, p.Ser522Gly (NM_001161664.2); short protein forms S522G.
Identifiers: ClinVar variation 1449905 (VCV001449905.3), dbSNP rs977234347, ClinGen allele CA145927343.